The following is an entry in ClinVar:

NM_006080.3(SEMA3A):c.478T>G (p.Ser160Ala)

Gene: SEMA3A (semaphorin 3A; minus strand). Cytogenetic location: 7q21.11.
Variant type: single nucleotide variant.
Coding change: c.478T>G on transcript NM_006080.3 (MANE Select); coding-DNA position 478, T replaced by G.
Protein change: p.Ser160Ala; replaces serine 160 with alanine.
Molecular consequence: missense variant.
Genome position (GRCh38, 1-based): chr7:84,060,534, A>C on the plus strand (T>G on the coding strand, the complement: SEMA3A is on the minus strand). VCF-style: chr7-84060534-A-C. GRCh37 (hg19) VCF-style: chr7-83689850-A-C.
Other names: short protein forms S160A.
Identifiers: ClinVar variation 4056957 (VCV004056957.2).

ClinVar aggregate classification (germline): Uncertain significance. Review status: criteria provided, multiple submitters, no conflicts (2 of 4 stars). 2 submissions from 2 submitters: Uncertain significance (2). Last evaluated 2025-03-13.

Conditions:
SEMA3A-related disorder. Also called: SEMA3A-related condition.

gnomAD v4.1: 1 of 1,594,580 alleles (0.000063%); highest among the groups gnomAD compares: African/African-American, 0.0014%; no homozygotes.

Submissions (2):

PreventionGenetics, part of Exact Sciences
Classification: Uncertain significance for SEMA3A-related condition. Last evaluated: 2025-03-13. Review status: criteria provided, single submitter. Criteria: ACMG Guidelines, 2015. Collection method: clinical testing. Allele origin: germline.
Comment: The SEMA3A c.478T>G variant is predicted to result in the amino acid substitution p.Ser160Ala. To our knowledge, this variant has not been reported in the literature or in a large population database (gnomAD), indicating this variant is rare. At this time, the clinical significance of this variant is uncertain due to the absence of conclusive functional and genetic evidence.

GeneDx
Classification: Uncertain significance. Last evaluated: 2025-01-14. Review status: criteria provided, single submitter. Criteria: GeneDx Variant Classification Process June 2021. Collection method: clinical testing. Allele origin: germline. Affected: yes.
Comment: Not observed at significant frequency in large population cohorts (gnomAD); In silico analysis indicates that this missense variant does not alter protein structure/function; Has not been previously published as pathogenic or benign to our knowledge